The following is an entry in ClinVar:

ClinVar aggregate classification (germline): Benign. Review status: criteria provided, multiple submitters, no conflicts (2 of 4 stars). 3 submissions from 3 submitters: Benign (3). Last evaluated 2018-11-12.

Conditions:
Variegate porphyria (VP). Also called: PORPHYRIA, SOUTH AFRICAN TYPE; PROTOPORPHYRINOGEN OXIDASE DEFICIENCY; PPOX DEFICIENCY. Identifiers: Orphanet 79473, MedGen C0162532, MONDO:0008297, OMIM 176200.

Allele frequency attached by ClinVar (database versions not stated): gnomAD 0.34791 and 0.35078; TOPMed 0.35283; 1000 Genomes Project 30x 0.35462; 1000 Genomes Project 0.35923.
gnomAD v4.1: 439,508 of 1,178,942 alleles (37%); highest among the groups gnomAD compares: East Asian, 44%; 82,418 homozygotes.

Submissions (3):

GeneDx
Classification: Benign. Last evaluated: 2018-11-12. Review status: criteria provided, single submitter. Criteria: GeneDx Variant Classification Process June 2021. Collection method: clinical testing. Allele origin: germline. Affected: yes.

Illumina Laboratory Services, Illumina
Classification: Benign for Variegate porphyria. Last evaluated: 2018-01-12. Review status: criteria provided, single submitter. Criteria: ICSL Variant Classification Criteria 13 December 2019. Collection method: clinical testing. Allele origin: germline.
Comment: This variant was observed in the ICSL laboratory as part of a predisposition screen in an ostensibly healthy population. It had not been previously curated by ICSL or reported in the Human Gene Mutation Database (HGMD: prior to June 1st, 2018), and was therefore a candidate for classification through an automated scoring system. Utilizing variant allele frequency, disease prevalence and penetrance estimates, and inheritance mode, an automated score was calculated to assess if this variant is too frequent to cause the disease. Based on the score and internal cut-off values, a variant classified as benign is not then subjected to further curation. The score for this variant resulted in a classification of benign for this disease.

Breakthrough Genomics
Classification: Benign. Review status: criteria provided, single submitter. Criteria: ACMG Guidelines, 2015. Collection method: not provided. Allele origin: germline. Inheritance: Autosomal dominant inheritance. Affected: yes.

NM_001122764.3(PPOX):c.-247C>A

Gene: PPOX (protoporphyrinogen oxidase; plus strand). Cytogenetic location: 1q23.3.
Variant type: single nucleotide variant.
Coding change: c.-247C>A on transcript NM_001122764.3 (MANE Select); 247 bases upstream of the start codon, C replaced by A.
Molecular consequence: 5 prime UTR variant.
Genome position (GRCh38, 1-based): chr1:161,166,434, C>A. VCF-style: chr1-161166434-C-A. GRCh37 (hg19) VCF-style: chr1-161136224-C-A.
Other names: c.-186C>A (NM_000309.5); c.-247C>A (NM_001350128.2, NM_001365399.1); c.-674C>A (NM_001350129.2); c.-765C>A (NM_001350130.2); c.-590C>A (NM_001350131.2); c.-497C>A (NM_001365400.1); c.-556C>A (NM_001365401.1).
Identifiers: ClinVar variation 293238 (VCV000293238.8), dbSNP rs2301286, ClinGen allele CA10608136.
Genomic context (GRCh38, chr1:161,166,434, plus strand): 5'-CCAATCCAGATGTAGGAGAGGTAGGGTTAGGCGCGTGCCGCGAGAACAGAGTGGACGGAG[C>A]GTAGGAGAGACCGAAAAGGCTGGGGGTGGGAGTAGCGGATTTGAAGCACTTGTTGGCCTA-3'